The following is an entry in ClinVar:

NM_001330078.2(NRXN1):c.3674C>T (p.Thr1225Met)

Gene: NRXN1 (neurexin 1; minus strand). Cytogenetic location: 2p16.3.
Variant type: single nucleotide variant.
Coding change: c.3674C>T on transcript NM_001330078.2 (MANE Select); coding-DNA position 3674, C replaced by T.
Protein change: p.Thr1225Met; replaces threonine 1225 with methionine.
Molecular consequence: missense variant.
Genome position (GRCh38, 1-based): chr2:50,091,367, G>A on the plus strand (C>T on the coding strand, the complement: NRXN1 is on the minus strand). VCF-style: chr2-50091367-G-A. GRCh37 (hg19) VCF-style: chr2-50318505-G-A.
Other names: c.3794C>T, p.Thr1265Met (NM_001135659.3); c.3650C>T, p.Thr1217Met (NM_001330077.2, NM_001330082.2); c.3608C>T, p.Thr1203Met (NM_001330083.2, NM_001330084.2); c.3647C>T, p.Thr1216Met (NM_001330085.2); c.3674C>T, p.Thr1225Met (NM_001330086.2, NM_004801.6); c.3563C>T, p.Thr1188Met (NM_001330087.2, NM_001330096.2); c.3593C>T, p.Thr1198Met (NM_001330088.2); c.569C>T, p.Thr190Met (NM_001330091.2, NM_001330092.2, NM_001330097.2 and 1 more transcripts); and 3 more; short protein forms T1198M, T1203M, T1221M, T1188M, T1225M, T1217M, T190M, T1208M.
Identifiers: ClinVar variation 5025866 (VCV005025866.1).
Genomic context (GRCh38, chr2:50,091,367, plus strand): 5'-ATATTCACTTGCTTACCTGCAGGGTAGCGCTCGATCACTGGCCAGCTGTCCACCTGCAAC[G>A]TGGCATTGCCACCACTCCTCGTGAAACGAACTACATGGTATTTCCCATCATTAATGATTG-3'
Protein context (NP_001317007.1, residues 1215-1235): VRFTRSGGNA[Thr1225Met]LQVDSWPVIE

ClinVar aggregate classification (germline): Uncertain significance (1 of 4 stars; one submission).

Conditions:
Inborn genetic diseases. Identifiers: MedGen C0950123, MeSH D030342.

Submission:

Ambry Genetics
Classification: Uncertain significance for Inborn genetic diseases. Last evaluated: 2026-06-24. Review status: criteria provided, single submitter. Criteria: Ambry Variant Classification Scheme 2023. Collection method: clinical testing. Allele origin: germline.
Comment: The c.3794C>T (p.T1265M) alteration is located in exon 20 (coding exon 19) of the NRXN1 gene. This alteration results from a C to T substitution at nucleotide position 3794, causing the threonine (T) at amino acid position 1265 to be replaced by a methionine (M). Based on data from gnomAD, the T allele has an overall frequency of <0.001% (1/251442) total alleles studied. The highest observed frequency was 0.001% (1/113744) of European (non-Finnish) alleles. Based on insufficient or conflicting evidence, the clinical significance of this alteration remains unclear.